The following is an entry in ClinVar:

ClinVar aggregate classification (germline): Conflicting classifications of pathogenicity. Review status: criteria provided, conflicting classifications (1 of 4 stars). 9 submissions from 9 submitters: Uncertain significance (6); Likely benign (1). 2 of the submissions do not count toward it. Last evaluated 2025-07-27.

Conditions:
Hereditary cancer-predisposing syndrome. Also called: Tumor predisposition; Neoplastic Syndromes, Hereditary; Hereditary neoplastic syndrome; Hereditary Cancer Syndrome. Identifiers: Orphanet 140162, MedGen C0027672, MeSH D009386, MONDO:0015356.
Hereditary breast ovarian cancer syndrome. Also called: Hereditary breast and ovarian cancer; Hereditary breast and ovarian cancer syndrome (HBOC); Hereditary breast and/or ovarian cancer syndrome; Breast and ovarian cancer; Hereditary breast and ovarian cancer syndrome; BRCA1- and BRCA2-Associated Hereditary Breast and Ovarian Cancer. Identifiers: Orphanet 145, MedGen C0677776, MeSH D061325, MONDO:0003582. Disease mechanism: loss of function.
Breast-ovarian cancer, familial, susceptibility to, 2 (BROVCA2). Also called: BRCA2 Hereditary Breast and Ovarian Cancer. Identifiers: Orphanet 145, MedGen C2675520, MONDO:0012933, OMIM 612555. Disease mechanism: loss of function.

Allele frequency attached by ClinVar (database versions not stated): gnomAD exomes below 0.00001; ExAC 0.00001; TOPMed 0.00002.
gnomAD v4.1: 6 of 1,613,814 alleles (0.00037%); no homozygotes.

Submissions (9):

Labcorp Genetics (formerly Invitae), Labcorp
Classification: Uncertain significance for Hereditary breast ovarian cancer syndrome. Last evaluated: 2025-07-27. Review status: criteria provided, single submitter. Criteria: Invitae Variant Classification Sherloc (09022015). Collection method: clinical testing. Allele origin: germline.
Comment: This sequence change replaces threonine, which is neutral and polar, with asparagine, which is neutral and polar, at codon 2007 of the BRCA2 protein (p.Thr2007Asn). This variant is present in population databases (rs397507363, gnomAD 0.009%). This missense change has been observed in individual(s) with BRCA2-related conditions (PMID: 21520333). ClinVar contains an entry for this variant (Variation ID: 38014). Invitae Evidence Modeling of protein sequence and biophysical properties (such as structural, functional, and spatial information, amino acid conservation, physicochemical variation, residue mobility, and thermodynamic stability) indicates that this missense variant is not expected to disrupt BRCA2 protein function with a negative predictive value of 95%. In summary, the available evidence is currently insufficient to determine the role of this variant in disease. Therefore, it has been classified as a Variant of Uncertain Significance.

Quest Diagnostics Nichols Institute San Juan Capistrano
Classification: Uncertain significance. Last evaluated: 2024-09-05. Review status: criteria provided, single submitter. Criteria: Quest Diagnostics criteria. Collection method: clinical testing. Allele origin: unknown.
Comment: The BRCA2 c.6020C>A (p.Thr2007Asn) variant has been reported in the published literature to be located in a region of the BRCA2 gene that is tolerant to missense sequence changes (PMID: 31911673 (2020)). To the best of our knowledge, this variant has not been reported in individuals with BRCA2-related disorders. The frequency of this variant in the general population, 0.000004 (1/250642 chromosomes (Genome Aggregation Database)), is uninformative in the assessment of its pathogenicity. Analysis of this variant using bioinformatics tools for the prediction of the effect of amino acid changes on protein structure and function yielded predictions that this variant is benign. Based on the available information, we are unable to determine the clinical significance of this variant.

Color Diagnostics, LLC DBA Color Health
Classification: Uncertain significance for Hereditary cancer-predisposing syndrome. Last evaluated: 2024-04-29. Review status: criteria provided, single submitter. Criteria: ACMG Guidelines, 2015. Collection method: clinical testing. Allele origin: germline.
Comment: This missense variant replaces threonine with asparagine at codon 2007 of the BRCA2 protein. Computational prediction suggests that this variant may not impact protein structure and function. To our knowledge, functional studies have not been reported for this variant. This variant has not been reported in individuals affected with BRCA2-related disorders in the literature. This variant has been identified in 1/250642 chromosomes in the general population by the Genome Aggregation Database (gnomAD). The available evidence is insufficient to determine the role of this variant in disease conclusively. Therefore, this variant is classified as a Variant of Uncertain Significance.

All of Us Research Program, National Institutes of Health
Classification: Uncertain significance for Breast-ovarian cancer, familial, susceptibility to, 2. Last evaluated: 2023-12-01. Review status: criteria provided, single submitter. Criteria: ACMG Guidelines, 2015. Collection method: clinical testing. Allele origin: germline. Inheritance: Autosomal dominant inheritance. Observed: 2 variant alleles, 2 heterozygotes.
Comment: This missense variant replaces threonine with asparagine at codon 2007 of the BRCA2 protein. Computational prediction suggests that this variant may not impact protein structure and function (internally defined REVEL score threshold <= 0.5, PMID: 27666373). To our knowledge, functional studies have not been reported for this variant. This variant has not been reported in individuals affected with hereditary cancer in the literature. This variant has been identified in 1/250642 chromosomes in the general population by the Genome Aggregation Database (gnomAD). The available evidence is insufficient to determine the role of this variant in disease conclusively. Therefore, this variant is classified as a Variant of Uncertain Significance.

This study involves interpretation of variants in research participants for the purpose of population health screening. Participant phenotype was not available at the time of variant classification. Additional details can be found in publication PMID: 35346344, PMCID: PMC8962531

Ambry Genetics
Classification: Uncertain significance for Hereditary cancer-predisposing syndrome. Last evaluated: 2023-06-07. Review status: criteria provided, single submitter. Criteria: Ambry Variant Classification Scheme 2023. Collection method: clinical testing. Allele origin: germline.
Comment: The p.T2007N variant (also known as c.6020C>A), located in coding exon 10 of the BRCA2 gene, results from a C to A substitution at nucleotide position 6020. The threonine at codon 2007 is replaced by asparagine, an amino acid with similar properties. This amino acid position is poorly conserved in available vertebrate species. In addition, this alteration is predicted to be tolerated by in silico analysis. Since supporting evidence is limited at this time, the clinical significance of this alteration remains unclear.

University of Washington Department of Laboratory Medicine, University of Washington
Classification: Likely benign for Hereditary cancer-predisposing syndrome. Last evaluated: 2023-03-23. Review status: criteria provided, single submitter. Criteria: Dines et al. (Genet Med. 2020). Collection method: curation. Allele origin: germline.
Comment: Missense variant in a coldspot region where missense variants are very unlikely to be pathogenic (PMID:31911673).

BRCA2 exon 11 coldspot. Reclassification based on statistical prior probability.

Sema4
Classification: Uncertain significance for Hereditary cancer-predisposing syndrome. Last evaluated: 2022-02-10. Review status: criteria provided, single submitter. Criteria: Sema4 Curation Guidelines. Collection method: curation. Allele origin: germline.
Comment: The BRCA2 c.6020C>A (p.T2007N) variant has not been reported in the literature to our knowledge. This variant was observed in 1/21606 chromosomes in the European (Finnish) population, according to the Genome Aggregation Database (PMID: 32461654). The variant has been reported in ClinVar (Variation ID: 38014). Functional studies have not been performed, and in silico predictions of the variant's effect on protein function are inconclusive. The evidence is insufficient to meet ACMG/AMP criteria for classifying the variant as benign or pathogenic. Thus, the clinical significance of this variant is currently uncertain.

Counsyl
Classification: Uncertain significance for Breast-ovarian cancer, familial, susceptibility to, 2. Last evaluated: 2017-02-03. Review status: no assertion criteria provided. Collection method: clinical testing. Allele origin: unknown. Not counted in ClinVar's aggregate classification.

Sharing Clinical Reports Project (SCRP)
Classification: Uncertain significance for Breast-ovarian cancer, familial 2. Last evaluated: 2012-06-06. Review status: no assertion criteria provided. Collection method: clinical testing. Allele origin: germline. Not counted in ClinVar's aggregate classification.

Literature cited by the submitters: PubMed 21520333 (cited by Labcorp Genetics (formerly Invitae), Labcorp); PubMed 31911673 (cited by Quest Diagnostics Nichols Institute San Juan Capistrano).

NM_000059.4(BRCA2):c.6020C>A (p.Thr2007Asn)

Gene: BRCA2 (BRCA2 DNA repair associated; plus strand). Cytogenetic location: 13q13.1.
Variant type: single nucleotide variant.
Coding change: c.6020C>A on transcript NM_000059.4 (MANE Select); coding-DNA position 6020, C replaced by A.
Protein change: p.Thr2007Asn; replaces threonine 2007 with asparagine.
Molecular consequence: missense variant.
Genome position (GRCh38, 1-based): chr13:32,340,375, C>A. VCF-style: chr13-32340375-C-A. GRCh37 (hg19) VCF-style: chr13-32914512-C-A.
Other names: 6248C>A; short protein forms T2007N.
Identifiers: ClinVar variation 38014 (VCV000038014.27), dbSNP rs397507363, ClinGen allele CA023530.